The following is an entry in ClinVar:

ClinVar aggregate classification (germline): Pathogenic (1 of 4 stars; one submission).

Submission:

Labcorp Genetics (formerly Invitae), Labcorp
Classification: Pathogenic. Last evaluated: 2023-10-12. Review status: criteria provided, single submitter. Criteria: Invitae Variant Classification Sherloc (09022015). Collection method: clinical testing. Allele origin: germline.
Comment: This sequence change creates a premature translational stop signal (p.Tyr1047*) in the EIF2AK3 gene. While this is not anticipated to result in nonsense mediated decay, it is expected to disrupt the last 70 amino acid(s) of the EIF2AK3 protein. This variant is not present in population databases (gnomAD no frequency). This variant has not been reported in the literature in individuals affected with EIF2AK3-related conditions. This variant disrupts a region of the EIF2AK3 protein in which other variant(s) (p.Arg1065*) have been determined to be pathogenic (PMID: 19837917, 24168455, 24710710, 33452782). This suggests that this is a clinically significant region of the protein, and that variants that disrupt it are likely to be disease-causing. For these reasons, this variant has been classified as Pathogenic.

Literature cited by the submitters: PubMed 19837917; PubMed 24168455; PubMed 24710710; PubMed 33452782.

NM_004836.7(EIF2AK3):c.3141T>A (p.Tyr1047Ter)

Genes: EIF2AK3 (eukaryotic translation initiation factor 2 alpha kinase 3; minus strand), EIF2AK3-AS1 (EIF2AK3 antisense RNA 1; plus strand). Cytogenetic location: 2p11.2.
Variant type: single nucleotide variant.
Coding change: c.3141T>A on transcript NM_004836.7 (MANE Select); coding-DNA position 3141, T replaced by A.
Protein change: p.Tyr1047Ter; replaces tyrosine 1047 with a stop codon.
Molecular consequence: nonsense.
Genome position (GRCh38, 1-based): chr2:88,558,926, A>T on the plus strand (T>A on the coding strand, the complement: EIF2AK3 is on the minus strand). VCF-style: chr2-88558926-A-T. GRCh37 (hg19) VCF-style: chr2-88858444-A-T.
Other names: c.2688T>A, p.Tyr896Ter (NM_001313915.2); short protein forms Y1047*, Y896*.
Identifiers: ClinVar variation 2767802 (VCV002767802.3), dbSNP rs2529089802, ClinGen allele CA347584232.